The following is an entry in ClinVar:

NM_000030.3(AGXT):c.34_35dup (p.Ala13fs)

Gene: AGXT (alanine--glyoxylate aminotransferase; plus strand). Cytogenetic location: 2q37.3.
Variant type: Duplication.
Coding change: c.34_35dup on transcript NM_000030.3 (MANE Select); coding-DNA positions 34 to 35, 2 bases duplicated (AA; older notation c.34_35dupAA).
Protein change: p.Ala13fs; shifts the reading frame from alanine 13.
Molecular consequence: frameshift variant.
Genome position (GRCh38, 1-based): chr2:240,868,899-240,868,900, AA duplicated. VCF-style (leftmost placement, unchanged base first): chr2-240868898-C-CAA. GRCh37 (hg19) VCF-style: chr2-241808315-C-CAA.
Other names: short protein forms A13fs.
Identifiers: ClinVar variation 2664113 (VCV002664113.2), dbSNP rs2528738955, ClinGen allele CA2586971628.

ClinVar aggregate classification (germline): Likely pathogenic. Review status: criteria provided, single submitter (1 of 4 stars). 2 submissions from 2 submitters: Likely pathogenic (1). 1 of the submissions does not count toward it. Last evaluated 2023-10-27.

Conditions:
Primary hyperoxaluria, type I (HP1). Also called: OXALOSIS I; Primary hyperoxaluria type 1; GLYCOLIC ACIDURIA; HEPATIC AGT DEFICIENCY. Identifiers: Orphanet 416, Orphanet 93598, MedGen C0268164, MONDO:0009823, OMIM 259900. Disease mechanism: loss of function.

Submissions (2):

Rare Kidney Stone Consortium and the Mayo Clinic Hyperoxaluria Center, Mayo Clinic
Classification: Likely pathogenic for Primary hyperoxaluria, type I. Last evaluated: 2023-10-27. Review status: criteria provided, single submitter. Criteria: ACMG Guidelines, 2015. Collection method: clinical testing. Allele origin: germline. Affected: yes.
Comment: ACMG:PVS1 PM2 PP4 PP5

Department of Genetics, Suzhou Beikang Medical Laboratory
Classification: Pathogenic for Primary hyperoxaluria, type I. Last evaluated: 2024-10-31. Review status: no assertion criteria provided. Collection method: clinical testing. Allele origin: germline. Affected: no. Not counted in ClinVar's aggregate classification.
Comment: The c.34_35dup pathogenic mutation, located in the first exon of the AGXT gene, causing a translational frameshift with a predicted alternate stop codon (p.Ala13Argfs*34). This mutation has been identified in individual(s) with primary Hyperoxaluria type 1 (PMID:25644115). This variant is not present in population databases (gnomAD no frequency). ClinVar contains an entry for this variant (Variation ID:2664113). For these reasons, this variant has been classified as Pathogenic.

Literature cited by the submitters: PubMed 25644115 (cited by Rare Kidney Stone Consortium and the Mayo Clinic Hyperoxaluria Center, Mayo Clinic).